The following is an entry in ClinVar:

NM_032735.3(BEST3):c.1599G>T (p.Gly533=)

Gene: BEST3 (bestrophin 3; minus strand). Cytogenetic location: 12q15.
Variant type: single nucleotide variant.
Coding change: c.1599G>T on transcript NM_032735.3 (MANE Select); coding-DNA position 1599, G replaced by T.
Protein change: p.Gly533=; no amino-acid change (glycine 533 retained).
Molecular consequence: synonymous variant. On other transcripts: intron variant (1).
Genome position (GRCh38, 1-based): chr12:69,655,315, C>A on the plus strand (G>T on the coding strand, the complement: BEST3 is on the minus strand). VCF-style: chr12-69655315-C-A. GRCh37 (hg19) VCF-style: chr12-70049095-C-A.
Other names: c.1281G>T, p.Gly427= (NM_001282613.2); c.960G>T, p.Gly320= (NM_152439.4); c.1101-11528G>T (NM_001282614.2).
Identifiers: ClinVar variation 2643171 (VCV002643171.24), dbSNP rs749529891, ClinGen allele CA480731740.
Genomic context (GRCh38, chr12:69,655,315, plus strand): 5'-TGAGGGAGACAGGATGGATCCCATGGGGCCCTGCTGCTGCTCAGTCTTGCTTGGCTGAAC[C>A]CCTGTAAACTCAGAGCTCAAGATGGAGGTAGCGGAATCATGGTGGTAGCCCCCTGATGTG-3'
Protein context (NP_116124.2, residues 523-543): ATSILSSEFT[Gly533=]VQPSKTEQQQ

ClinVar aggregate classification (germline): Likely benign (1 of 4 stars; one submission).

Allele frequency attached by ClinVar (database versions not stated): TOPMed below 0.00001; gnomAD 0.00001.
gnomAD v4.1: 11 of 1,614,016 alleles (0.00068%); highest among the groups gnomAD compares: Middle Eastern, 0.016%; no homozygotes.

Submission:

CeGaT Center for Human Genetics Tuebingen
Classification: Likely benign. Last evaluated: 2022-11-01. Review status: criteria provided, single submitter. Criteria: CeGaT Center For Human Genetics Tuebingen Variant Classification Criteria Version 2. Collection method: clinical testing. Allele origin: germline. Affected: yes. Observed: 1 variant allele.
Comment: BEST3: BP4, BP7